The following is an entry in ClinVar:

ClinVar aggregate classification (germline): Uncertain significance (1 of 4 stars; one submission).

Conditions:
Cardiovascular phenotype. Identifiers: MedGen CN230736.

Submission:

Ambry Genetics
Classification: Uncertain significance for Cardiovascular phenotype. Last evaluated: 2025-07-29. Review status: criteria provided, single submitter. Criteria: Ambry Variant Classification Scheme 2023. Collection method: clinical testing. Allele origin: germline.
Comment: The p.N3977H variant (also known as c.11929A>C), located in coding exon 19 of the ALMS1 gene, results from an A to C substitution at nucleotide position 11929. The asparagine at codon 3977 is replaced by histidine, an amino acid with similar properties. This amino acid position is highly conserved in available vertebrate species. In addition, this alteration is predicted to be tolerated by in silico analysis. Based on the available evidence, the clinical significance of this variant remains unclear.

NM_001378454.1(ALMS1):c.11926A>C (p.Asn3976His)

Genes: ALMS1 (ALMS1 centrosome and basal body associated protein; plus strand), LOC126806252 (BRD4-independent group 4 enhancer GRCh37_chr2:73828496-73829695; plus strand). Cytogenetic location: 2p13.1.
Variant type: single nucleotide variant.
Coding change: c.11926A>C on transcript NM_001378454.1 (MANE Select); coding-DNA position 11926, A replaced by C.
Protein change: p.Asn3976His; replaces asparagine 3976 with histidine.
Molecular consequence: missense variant.
Genome position (GRCh38, 1-based): chr2:73,601,248, A>C. VCF-style: chr2-73601248-A-C. GRCh37 (hg19) VCF-style: chr2-73828375-A-C.
Other names: c.11929A>C, p.Asn3977His (NM_015120.4); short protein forms N3977H, N3976H.
Identifiers: ClinVar variation 4275008 (VCV004275008.1).